The following is an entry in ClinVar:

ClinVar aggregate classification (germline): Likely benign (0 of 4 stars; one submission).

Conditions:
LAMA5-related disorder. Also called: LAMA5-related condition; LAMA5-Related Disorders.

Allele frequency attached by ClinVar (database versions not stated): gnomAD exomes 0.00001; TOPMed 0.00001; ExAC 0.00001; gnomAD 0.00001.
gnomAD v4.1: 5 of 1,612,714 alleles (0.00031%); highest among the groups gnomAD compares: East Asian, 0.011%; no homozygotes.

Submission:

PreventionGenetics, part of Exact Sciences
Classification: Likely benign for LAMA5-related condition. Last evaluated: 2021-08-25. Review status: no assertion criteria provided. Collection method: clinical testing. Allele origin: germline.
Comment: This variant is classified as likely benign based on ACMG/AMP sequence variant interpretation guidelines (Richards et al. 2015 PMID: 25741868, with internal and published modifications).

NM_005560.6(LAMA5):c.4800G>A (p.Glu1600=)

Gene: LAMA5 (laminin subunit alpha 5; minus strand). Cytogenetic location: 20q13.33.
Variant type: single nucleotide variant.
Coding change: c.4800G>A on transcript NM_005560.6 (MANE Select); coding-DNA position 4800, G replaced by A.
Protein change: p.Glu1600=; no amino-acid change (glutamic acid 1600 retained).
Molecular consequence: synonymous variant.
Genome position (GRCh38, 1-based): chr20:62,327,667, C>T on the plus strand (G>A on the coding strand, the complement: LAMA5 is on the minus strand). VCF-style: chr20-62327667-C-T. GRCh37 (hg19) VCF-style: chr20-60902723-C-T.
Identifiers: ClinVar variation 3061526 (VCV003061526.2), dbSNP rs750862034, ClinGen allele CA9942465.